The following is an entry in ClinVar:

ClinVar aggregate classification (germline): Likely pathogenic (1 of 4 stars; one submission).

Conditions:
Ellis-van Creveld syndrome (EVC). Also called: EVC-Related Ellis-van Creveld Syndrome; EVC2-Related Ellis-van Creveld Syndrome; MESOECTODERMAL DYSPLASIA; Chondroectodermal dysplasia. Identifiers: Orphanet 289, MedGen C0013903, MONDO:0009162, OMIM 225500.

Submission:

Myriad Genetics, Inc.
Classification: Likely pathogenic for Ellis-van Creveld syndrome. Last evaluated: 2022-02-01. Review status: criteria provided, single submitter. Criteria: Myriad Women's Health Autosomal Recessive and X-Linked Classification Criteria (2021). Collection method: clinical testing. Allele origin: unknown.
Comment: NM_153717.2(EVC):c.910delA(R304Efs*7) is expected to be pathogenic in the context of EVC-related Ellis-van Creveld syndrome. This variant is predicted to lead to an abnormal or absent protein product due to the creation of a premature termination codon in EVC, a gene where loss-of-function variants are known to be pathogenic. Please note: this variant was assessed in the context of healthy population screening.

NM_153717.3(EVC):c.910del (p.Arg304fs)

Gene: EVC (EvC ciliary complex subunit 1; plus strand). Cytogenetic location: 4p16.2.
Variant type: Deletion.
Coding change: c.910del on transcript NM_153717.3 (MANE Select); coding-DNA position 910, one base deleted (A; older notation c.910delA).
Protein change: p.Arg304fs; shifts the reading frame from arginine 304.
Molecular consequence: frameshift variant.
Genome position (GRCh38, 1-based): chr4:5,745,312, A deleted. VCF-style (leftmost placement, unchanged base first): chr4-5745311-GA-G. GRCh37 (hg19) VCF-style: chr4-5747038-GA-G.
Other names: c.910del, p.Arg304fs (NM_001306090.2, NM_001306092.2); short protein forms R304fs.
Identifiers: ClinVar variation 1724203 (VCV001724203.2), dbSNP rs2475062325, ClinGen allele CA2580070783.